The following is an entry in ClinVar:

NM_001356.5(DDX3X):c.136C>T (p.Arg46Ter)

Gene: DDX3X (DEAD-box helicase 3 X-linked; plus strand). Cytogenetic location: Xp11.4.
Variant type: single nucleotide variant.
Coding change: c.136C>T on transcript NM_001356.5 (MANE Select); coding-DNA position 136, C replaced by T.
Protein change: p.Arg46Ter; replaces arginine 46 with a stop codon.
Molecular consequence: nonsense. On other transcripts: 5 prime UTR variant (1), non-coding transcript variant (1), intron variant (1).
Genome position (GRCh38, 1-based): chrX:41,339,068, C>T. VCF-style: chrX-41339068-C-T. GRCh37 (hg19) VCF-style: chrX-41198321-C-T.
Other names: c.136C>T, p.Arg46Ter (NM_001193416.3); c.-423C>T (NM_001363819.1); c.103+1603C>T (NM_001193417.3); c.136C>T (NM_001356.4); short protein forms R46*.
Identifiers: ClinVar variation 620156 (VCV000620156.11), dbSNP rs1569234653, ClinGen allele CA412763072.

ClinVar aggregate classification (germline): Pathogenic. Review status: criteria provided, multiple submitters, no conflicts (2 of 4 stars). 5 submissions from 5 submitters: Pathogenic (5). Last evaluated 2024-09-20.

Conditions:
DDX3X-related disorder. Also called: DDX3X-related condition.
Intellectual disability, X-linked 102 (MRXSSB). Also called: Intellectual developmental disorder, X-linked syndromic, Snijders Blok type. Identifiers: Orphanet 457260, MedGen C5393299, MONDO:0010497, OMIM 300958.

Submissions (5):

Victorian Clinical Genetics Services, Murdoch Childrens Research Institute
Classification: Pathogenic for Intellectual disability, X-linked 102. Last evaluated: 2024-09-20. Review status: criteria provided, single submitter. Criteria: ACMG Guidelines, 2015. Collection method: clinical testing. Allele origin: germline. Inheritance: X-linked dominant inheritance. Affected: yes.
Comment: Based on the classification scheme VCGS_Germline_v1.3.4, this variant is classified as Pathogenic. Following criteria are met: 0102 - Loss of function is a known mechanism of disease in this gene and is associated with intellectual developmental disorder, X-linked syndromic, Snijders Blok type (MIM#300958). (I) 0110 - This gene is associated with X-linked dominant disease. Females may or may not be symptomatic (OMIM). (I) 0201 - Variant is predicted to cause nonsense-mediated decay (NMD) and loss of protein (premature termination codon is located at least 54 nucleotides upstream of the final exon-exon junction). (SP) 0251 - This variant is heterozygous. (I) 0301 - Variant is absent from gnomAD (both v2 and v3). (SP) 0701 - Many NMD-predicted variants have very strong previous evidence for pathogenicity (ClinVar). (SP) 0801 - This variant has strong previous evidence of pathogenicity in unrelated individuals. It has been observed in two unrelated de novo heterozygous individuals with Snijders Blok-type X-linked syndromic intellectual developmental disorder (PMID: 26235985, 35392274). It has also been reported as pathogenic in ClinVar. (SP) Legend: (SP) - Supporting pathogenic, (I) - Information, (SB) - Supporting benign

Blueprint Genetics
Classification: Pathogenic for DDX3X-related disorders. Last evaluated: 2022-12-12. Review status: criteria provided, single submitter. Criteria: ACMG Guidelines, 2015. Collection method: clinical testing. Allele origin: germline. Affected: yes. Observed: 1 variant allele.

GeneDx
Classification: Pathogenic. Last evaluated: 2022-06-16. Review status: criteria provided, single submitter. Criteria: GeneDx Variant Classification Process June 2021. Collection method: clinical testing. Allele origin: germline. Affected: yes.
Comment: Nonsense variant predicted to result in protein truncation or nonsense mediated decay in a gene for which loss-of-function is a known mechanism of disease; Not observed at significant frequency in large population cohorts (gnomAD); This variant is associated with the following publications: (PMID: 26235985, 8135719, 28191890, 25533962, 28135719, 33504798, 31785789, 35392274)

Dasa
Classification: Pathogenic for Intellectual disability, X-linked 102. Last evaluated: 2022-01-05. Review status: criteria provided, single submitter. Criteria: ACMG Guidelines, 2015. Collection method: clinical testing. Allele origin: germline. Affected: yes. Observed: 1 variant allele.
Comment: The c.136C>T;p.(Arg46*) variant creates a premature translational stop signal in the DDX3X gene. It is expected to result in an absent or disrupted protein product -PVS1. This sequence change has been observed in affected individual(s) and ClinVar contains an entry for this variant(Clinvar ID: 620156; PMID: 25533962; 26235985) - PS4_moderate. This variant is not present in population databases (rs1569234653, gnomAD; ABraOM no frequency) - PM2. In summary, the currently available evidence indicates that the variant is pathogenic.

Mendelics
Classification: Pathogenic for Intellectual disability, X-linked 102. Last evaluated: 2019-05-28. Review status: criteria provided, single submitter. Criteria: Mendelics Assertion Criteria 2017. Collection method: clinical testing. Allele origin: unknown.

Literature cited by the submitters: PubMed 26235985 (cited by Victorian Clinical Genetics Services, Murdoch Childrens Research Institute and Dasa); PubMed 35392274 (cited by Victorian Clinical Genetics Services, Murdoch Childrens Research Institute); PubMed 25533962 (cited by Dasa).